The following is an entry in ClinVar:

ClinVar aggregate classification (germline): Pathogenic. Review status: reviewed by expert panel (3 of 4 stars). 3 submissions from 3 submitters: Pathogenic (1). 2 of the submissions do not count toward it. Last evaluated 2016-09-08.

Conditions:
Breast-ovarian cancer, familial, susceptibility to, 1 (BROVCA1). Also called: BRCA1 Hereditary Breast and Ovarian Cancer; OVARIAN CANCER, SUSCEPTIBILITY TO. Identifiers: Orphanet 145, MedGen C2676676, MONDO:0011450, OMIM 604370. Disease mechanism: loss of function.

Submissions (3):

Evidence-based Network for the Interpretation of Germline Mutant Alleles (ENIGMA)
Classification: Pathogenic for Breast-ovarian cancer, familial, susceptibility to, 1. Last evaluated: 2016-09-08. Review status: reviewed by expert panel. Criteria: ENIGMA BRCA1/2 Classification Criteria (2015). Collection method: curation. Allele origin: germline.
Comment: Variant allele predicted to encode a truncated non-functional protein.

KCCC/NGS Laboratory, Kuwait Cancer Control Center
Classification: Pathogenic for Breast-ovarian cancer, familial, susceptibility to, 1. Last evaluated: 2024-05-02. Review status: criteria provided, single submitter. Criteria: ACMG Guidelines, 2015. Collection method: clinical testing. Allele origin: germline. Inheritance: Autosomal dominant inheritance. Affected: yes. Observed: 1 heterozygote. Not counted in ClinVar's aggregate classification.
Comment: This variant results in duplication of one nucleotide in position 4522 frameshift leading to premature stop codon . It is expected to result in an absent or disrupted protein product. ClinVar classifies this variant as Pathogenic, rated 3 stars, reviewed by expert panel (125712). This variant is not found in gnomAD exomes or genomes. Loss-offunction variants in BRCA1 are known to be pathogenic (PMID: 20104584). Therefore, this variant has been classified as Pathogenic.

Breast Cancer Information Core (BIC) (BRCA1)
Classification: Pathogenic for Breast-ovarian cancer, familial 1. Last evaluated: 2004-11-25. Review status: no assertion criteria provided. Collection method: clinical testing. Allele origin: germline. Affected: yes. Observed: 1 variant allele. Not counted in ClinVar's aggregate classification.

NM_007294.4(BRCA1):c.4463dup (p.Asn1488fs)

Gene: BRCA1 (BRCA1 DNA repair associated; minus strand). Cytogenetic location: 17q21.31.
Variant type: Duplication.
Coding change: c.4463dup on transcript NM_007294.4 (MANE Select); coding-DNA position 4463, one base duplicated (A; older notation c.4463dupA).
Protein change: p.Asn1488fs; shifts the reading frame from asparagine 1488.
Molecular consequence: frameshift variant. On other transcripts: non-coding transcript variant (1).
Genome position (GRCh38, 1-based): chr17:43,076,509, T duplicated on the plus strand (A on the coding strand, the reverse complement: BRCA1 is on the minus strand); the first of 5 consecutive T bases (chr17:43,076,509-43,076,513); duplicating any one gives the same sequence. VCF-style (leftmost placement, unchanged base first): chr17-43076508-A-AT. GRCh37 (hg19) VCF-style: chr17-41228525-A-AT.
Other names: 4582insA; c.4463dupA (NM_007294.3); c.1009dup, p.Asn338Lysfs (NM_001408456.1, NM_001408457.1, NM_001408452.1 and 3 more transcripts); c.1006dup, p.Asn337Lysfs (NM_001408458.1, NM_001408459.1, NM_001408460.1 and 7 more transcripts); c.1003dup, p.Asn336Lysfs (NM_001408468.1, NM_001408469.1, NM_001408470.1); c.1147dup, p.Asn384Lysfs (NM_001408472.1, NM_007298.4, NM_007304.2 and 12 more transcripts); c.1144dup, p.Asn383Lysfs (NM_001408473.1, NM_001408392.1, NM_001408396.1 and 8 more transcripts); c.949dup, p.Asn318Lysfs (NM_001408474.1); and 74 more; short protein forms N1441fs, N384fs, N1488fs, N1509fs.
Identifiers: ClinVar variation 125712 (VCV000125712.5), dbSNP rs80357620, ClinGen allele CA002862.